The following is an entry in ClinVar:

ClinVar aggregate classification (germline): Uncertain significance (1 of 4 stars; one submission).

Conditions:
Distal myopathy with posterior leg and anterior hand involvement. Also called: WILLIAMS DISTAL MYOPATHY. Identifiers: Orphanet 63273, MedGen C3279722, MONDO:0013550, OMIM 614065.
Hypertrophic cardiomyopathy 26. Also called: Cardiomyopathy, familial hypertrophic, 26. Identifiers: Orphanet 75249, MedGen C4310749, MONDO:0014883, OMIM 617047.
Myofibrillar myopathy 5. Also called: Filaminopathy (type); FILAMINOPATHY, AUTOSOMAL DOMINANT. Identifiers: Orphanet 171445, MedGen C1836050, MONDO:0012289, OMIM 609524.

Submission:

Labcorp Genetics (formerly Invitae), Labcorp
Classification: Uncertain significance for Distal myopathy with posterior leg and anterior hand involvement; Myofibrillar myopathy 5; Hypertrophic cardiomyopathy 26. Last evaluated: 2022-05-03. Review status: criteria provided, single submitter. Criteria: Invitae Variant Classification Sherloc (09022015). Collection method: clinical testing. Allele origin: germline.
Comment: This variant has not been reported in the literature in individuals affected with FLNC-related conditions. Information on the frequency of this variant in the gnomAD database is not available, as this variant may be reported differently in the database. This sequence change replaces proline, which is neutral and non-polar, with arginine, which is basic and polar, at codon 1144 of the FLNC protein (p.Pro1144Arg). Algorithms developed to predict the effect of missense changes on protein structure and function are either unavailable or do not agree on the potential impact of this missense change (SIFT: "Not Available"; PolyPhen-2: "Probably Damaging"; Align-GVGD: "Not Available"). In summary, the available evidence is currently insufficient to determine the role of this variant in disease. Therefore, it has been classified as a Variant of Uncertain Significance.

NM_001458.5(FLNC):c.3431_3432delinsGT (p.Pro1144Arg)

Gene: FLNC (filamin C; plus strand). Cytogenetic location: 7q32.1.
Variant type: Indel.
Coding change: c.3431_3432delinsGT on transcript NM_001458.5 (MANE Select); coding-DNA positions 3431 to 3432, CC replaced by GT.
Protein change: p.Pro1144Arg; replaces proline 1144 with arginine.
Molecular consequence: missense variant.
Genome position (GRCh38, 1-based): chr7:128,844,896-128,844,897, CC replaced by GT. VCF-style: chr7-128844896-CC-GT. GRCh37 (hg19) VCF-style: chr7-128484950-CC-GT.
Other names: c.3431_3432delinsGT, p.Pro1144Arg (NM_001127487.2); short protein forms P1144R.
Identifiers: ClinVar variation 2131172 (VCV002131172.4), dbSNP rs2536637685, ClinGen allele CA2580076612.